The following is an entry in ClinVar:

NM_001270974.2(HYDIN):c.11327C>T (p.Pro3776Leu)

Gene: HYDIN (HYDIN axonemal central pair apparatus protein; minus strand). Cytogenetic location: 16q22.2.
Variant type: single nucleotide variant.
Coding change: c.11327C>T on transcript NM_001270974.2 (MANE Select); coding-DNA position 11327, C replaced by T.
Protein change: p.Pro3776Leu; replaces proline 3776 with leucine.
Molecular consequence: missense variant.
Genome position (GRCh38, 1-based): chr16:70,866,313, G>A on the plus strand (C>T on the coding strand, the complement: HYDIN is on the minus strand). VCF-style: chr16-70866313-G-A. GRCh37 (hg19) VCF-style: chr16-70900216-G-A.
Other names: short protein forms P3776L.
Identifiers: ClinVar variation 4872231 (VCV004872231.2).

ClinVar aggregate classification (germline): Likely benign (1 of 4 stars; one submission).

gnomAD v4.1: 488 of 1,237,292 alleles (0.039%); highest among the groups gnomAD compares: African/African-American, 0.58%; 1 homozygote.

Submission:

CeGaT Center for Human Genetics Tuebingen
Classification: Likely benign. Last evaluated: 2026-07-01. Review status: criteria provided, single submitter. Criteria: CeGaT Center For Human Genetics Tuebingen Variant Classification Criteria Version 2. Collection method: clinical testing. Allele origin: germline. Affected: yes. Observed: 2 variant alleles.
Comment: HYDIN: BP4, BS2